The following is an entry in ClinVar:

ClinVar aggregate classification (germline): Likely benign (1 of 4 stars; one submission).

gnomAD v4.1: 15 of 1,613,958 alleles (0.00093%); highest among the groups gnomAD compares: Admixed American, 0.0033%; no homozygotes.

Submission:

Athena Diagnostics
Classification: Likely benign. Last evaluated: 2025-08-22. Review status: criteria provided, single submitter. Criteria: Athena Diagnostics Criteria. Collection method: clinical testing. Allele origin: unknown.
Comment: Computational tools yielded predictions that this variant is unlikely to have an effect on normal RNA splicing. This nucleotide position exhibits low evolutionary conservation.

NM_018319.4(TDP1):c.147C>T (p.Ser49=)

Genes: TDP1 (tyrosyl-DNA phosphodiesterase 1; plus strand), LOC126862019 (CDK7 strongly-dependent group 2 enhancer GRCh37_chr14:90429220-90430419; plus strand). Cytogenetic location: 14q32.11.
Variant type: single nucleotide variant.
Coding change: c.147C>T on transcript NM_018319.4 (MANE Select); coding-DNA position 147, C replaced by T.
Protein change: p.Ser49=; no amino-acid change (serine 49 retained).
Molecular consequence: synonymous variant.
Genome position (GRCh38, 1-based): chr14:89,963,261, C>T. VCF-style: chr14-89963261-C-T. GRCh37 (hg19) VCF-style: chr14-90429605-C-T.
Other names: c.147C>T, p.Ser49= (NM_001008744.2, NM_001330205.2).
Identifiers: ClinVar variation 4682412 (VCV004682412.1).